The following is an entry in ClinVar:

ClinVar aggregate classification (germline): Uncertain significance. Review status: criteria provided, multiple submitters, no conflicts (2 of 4 stars). 2 submissions from 2 submitters: Uncertain significance (2). Last evaluated 2024-11-25.

Conditions:
Neuropathy, hereditary sensory, type 2C. Also called: KIF1A-Related HSAN2 (HSAN2C); Hereditary sensory and autonomic neuropathy type IIC. Identifiers: Orphanet 970, MedGen C3280168, MONDO:0013634, OMIM 614213.
Hereditary spastic paraplegia 30. Identifiers: Orphanet 101010, MedGen C5235139, MONDO:0012476.
Intellectual disability, autosomal dominant 9 (NESCAVS). Also called: NESCAV SYNDROME; KIF1A-Related Neurodevelopmental Disorder. Identifiers: Orphanet 662367, MedGen C5393830, MONDO:0013656, OMIM 614255.

Allele frequency attached by ClinVar (database versions not stated): gnomAD exomes below 0.00001.
gnomAD v4.1: 3 of 1,602,170 alleles (0.00019%); highest among the groups gnomAD compares: Non-Finnish European, 0.00017%; no homozygotes.

Submissions (2):

Revvity Omics, Revvity
Classification: Uncertain significance. Last evaluated: 2024-11-25. Review status: criteria provided, single submitter. Criteria: ACMG Guidelines, 2015. Collection method: clinical testing. Allele origin: germline.

Labcorp Genetics (formerly Invitae), Labcorp
Classification: Uncertain significance for Hereditary spastic paraplegia 30; Neuropathy, hereditary sensory, type 2C; Intellectual disability, autosomal dominant 9. Last evaluated: 2023-10-14. Review status: criteria provided, single submitter. Criteria: Invitae Variant Classification Sherloc (09022015). Collection method: clinical testing. Allele origin: germline.
Comment: This sequence change replaces asparagine, which is neutral and polar, with serine, which is neutral and polar, at codon 1640 of the KIF1A protein (p.Asn1640Ser). This variant is not present in population databases (gnomAD no frequency). This variant has not been reported in the literature in individuals affected with KIF1A-related conditions. Advanced modeling of protein sequence and biophysical properties (such as structural, functional, and spatial information, amino acid conservation, physicochemical variation, residue mobility, and thermodynamic stability) performed at Invitae indicates that this missense variant is not expected to disrupt KIF1A protein function. In summary, the available evidence is currently insufficient to determine the role of this variant in disease. Therefore, it has been classified as a Variant of Uncertain Significance.

NM_001244008.2(KIF1A):c.5222A>G (p.Asn1741Ser)

Gene: KIF1A (kinesin family member 1A; minus strand). Cytogenetic location: 2q37.3.
Variant type: single nucleotide variant.
Coding change: c.5222A>G on transcript NM_001244008.2 (MANE Select); coding-DNA position 5222, A replaced by G.
Protein change: p.Asn1741Ser; replaces asparagine 1741 with serine.
Molecular consequence: missense variant.
Genome position (GRCh38, 1-based): chr2:240,718,161, T>C on the plus strand (A>G on the coding strand, the complement: KIF1A is on the minus strand). VCF-style: chr2-240718161-T-C. GRCh37 (hg19) VCF-style: chr2-241657578-T-C.
Other names: c.4946A>G, p.Asn1649Ser (NM_001320705.2, NM_001379649.1); c.4973A>G, p.Asn1658Ser (NM_001330289.2); c.5021A>G, p.Asn1674Ser (NM_001330290.2, NM_001379648.1); c.5297A>G, p.Asn1766Ser (NM_001379631.1); c.5198A>G, p.Asn1733Ser (NM_001379632.1); c.5195A>G, p.Asn1732Ser (NM_001379633.1, NM_001379645.1); c.5048A>G, p.Asn1683Ser (NM_001379634.1); c.5045A>G, p.Asn1682Ser (NM_001379635.1, NM_001379646.1); and 8 more; short protein forms N1639S, N1732S, N1733S, N1649S, N1657S, N1674S, N1682S, N1741S.
Identifiers: ClinVar variation 2950295 (VCV002950295.4), dbSNP rs1327176789, ClinGen allele CA351297639.